The following is an entry in ClinVar:

NM_053025.4(MYLK):c.374-3C>A

Gene: MYLK (myosin light chain kinase; minus strand). Cytogenetic location: 3q21.1.
Variant type: single nucleotide variant.
Coding change: c.374-3C>A on transcript NM_053025.4 (MANE Select); 3 bases into the intron before coding-DNA position 374, C replaced by A.
Molecular consequence: intron variant.
Genome position (GRCh38, 1-based): chr3:123,740,004, G>T on the plus strand (C>A on the coding strand, the complement: MYLK is on the minus strand). VCF-style: chr3-123740004-G-T. GRCh37 (hg19) VCF-style: chr3-123458851-G-T.
Other names: c.-155-3C>A (NM_001321309.2); c.374-3C>A (NM_053028.4, NM_053026.4, NM_053027.4).
Identifiers: ClinVar variation 489186 (VCV000489186.9), dbSNP rs1473632768, ClinGen allele CA658683368.

ClinVar aggregate classification (germline): Uncertain significance. Review status: criteria provided, multiple submitters, no conflicts (2 of 4 stars). 3 submissions from 3 submitters: Uncertain significance (3). Last evaluated 2026-03-02.

Conditions:
Familial thoracic aortic aneurysm and aortic dissection (TAAD). Also called: Thoracic aortic aneurysms and dissections. Identifiers: Orphanet 91387, MedGen C4707243, MONDO:0019625.
Aortic aneurysm, familial thoracic 7 (AAT7). Also called: AORTIC DISSECTION, FAMILIAL, WITH OR WITHOUT AORTIC ANEURYSM. Identifiers: MedGen C3151077, MONDO:0013418, OMIM 613780.

Allele frequency attached by ClinVar (database versions not stated): gnomAD exomes below 0.00001.
gnomAD v4.1: 2 of 1,613,800 alleles (0.00012%); highest among the groups gnomAD compares: Non-Finnish European, 0.00017%; no homozygotes.

Submissions (3):

Ambry Genetics
Classification: Uncertain significance for Familial thoracic aortic aneurysm and aortic dissection. Last evaluated: 2026-03-02. Review status: criteria provided, single submitter. Criteria: Ambry Variant Classification Scheme 2023. Collection method: clinical testing. Allele origin: germline.
Comment: The c.374-3C>A intronic variant results from a C to A substitution 3 nucleotides upstream from coding exon 3 in the MYLK gene. This nucleotide position is well conserved in available vertebrate species. In silico splice site analysis predicts that this alteration will weaken the native splice acceptor site. Based on the available evidence, the clinical significance of this variant remains unclear.

Labcorp Genetics (formerly Invitae), Labcorp
Classification: Uncertain significance for Aortic aneurysm, familial thoracic 7. Last evaluated: 2025-08-21. Review status: criteria provided, single submitter. Criteria: Invitae Variant Classification Sherloc (09022015). Collection method: clinical testing. Allele origin: germline.
Comment: This sequence change falls in intron 5 of the MYLK gene. It does not directly change the encoded amino acid sequence of the MYLK protein. It affects a nucleotide within the consensus splice site. This variant is not present in population databases (gnomAD no frequency). This variant has not been reported in the literature in individuals affected with MYLK-related conditions. ClinVar contains an entry for this variant (Variation ID: 489186). Variants that disrupt the consensus splice site are a relatively common cause of aberrant splicing (PMID: 17576681, 9536098). Algorithms developed to predict the effect of sequence changes on RNA splicing suggest that this variant may disrupt the consensus splice site. In summary, the available evidence is currently insufficient to determine the role of this variant in disease. Therefore, it has been classified as a Variant of Uncertain Significance.

GeneDx
Classification: Uncertain significance. Last evaluated: 2025-05-16. Review status: criteria provided, single submitter. Criteria: GeneDx Variant Classification Process June 2021. Collection method: clinical testing. Allele origin: germline. Affected: yes.
Comment: Has not been previously published as pathogenic or benign to our knowledge; Not observed at significant frequency in large population cohorts (gnomAD); In silico analysis supports a deleterious effect on splicing

Literature cited by the submitters: PubMed 17576681 (cited by Labcorp Genetics (formerly Invitae), Labcorp); PubMed 9536098 (cited by Labcorp Genetics (formerly Invitae), Labcorp).